The following is an entry in ClinVar:

NM_022166.4(XYLT1):c.2639G>C (p.Ser880Thr)

Gene: XYLT1 (xylosyltransferase 1; minus strand). Cytogenetic location: 16p12.3.
Variant type: single nucleotide variant.
Coding change: c.2639G>C on transcript NM_022166.4 (MANE Select); coding-DNA position 2639, G replaced by C.
Protein change: p.Ser880Thr; replaces serine 880 with threonine.
Molecular consequence: missense variant.
Genome position (GRCh38, 1-based): chr16:17,108,936, C>G on the plus strand (G>C on the coding strand, the complement: XYLT1 is on the minus strand). VCF-style: chr16-17108936-C-G. GRCh37 (hg19) VCF-style: chr16-17202793-C-G.
Other names: short protein forms S880T.
Identifiers: ClinVar variation 2046046 (VCV002046046.4), dbSNP rs769620977, ClinGen allele CA7927522.
Genomic context (GRCh38, chr16:17,108,936, plus strand): 5'-GTGCCCGTGGAGGCTGCGTTCCTCCGTGCCTGTTCCACCTGGGCGGGGTTGATGGGCAGG[C>G]TGAGGACGGGGTTTAGGCTCTGGAAGCTCTGCTCCATGTAGGCATTGCGGAGGGGCCCAT-3'
Protein context (NP_071449.1, residues 870-890): QSFQSLNPVL[Ser880Thr]LPINPAQVEQ

ClinVar aggregate classification (germline): Uncertain significance (1 of 4 stars; one submission).

Conditions:
Desbuquois dysplasia 1 (DBQD1). Also called: DESBUQUOIS DYSPLASIA 1, KIM VARIANT; MICROMELIC DWARFISM WITH VERTEBRAL AND METAPHYSEAL ABNORMALITIES AND ADVANCED CARPOTARSAL OSSIFICATION. Identifiers: Orphanet 1425, MedGen C4012146, MONDO:0009629, OMIM 251450.

Allele frequency attached by ClinVar (database versions not stated): TOPMed 0.00001; ExAC 0.00003; gnomAD 0.00001; gnomAD exomes 0.00004.
gnomAD v4.1: 67 of 1,598,160 alleles (0.0042%); highest among the groups gnomAD compares: Non-Finnish European, 0.0052%; no homozygotes.

Submission:

Labcorp Genetics (formerly Invitae), Labcorp
Classification: Uncertain significance for Desbuquois dysplasia 1. Last evaluated: 2024-01-04. Review status: criteria provided, single submitter. Criteria: Invitae Variant Classification Sherloc (09022015). Collection method: clinical testing. Allele origin: germline.
Comment: This sequence change replaces serine, which is neutral and polar, with threonine, which is neutral and polar, at codon 880 of the XYLT1 protein (p.Ser880Thr). This variant is present in population databases (rs769620977, gnomAD 0.006%). This variant has not been reported in the literature in individuals affected with XYLT1-related conditions. ClinVar contains an entry for this variant (Variation ID: 2046046). Advanced modeling of protein sequence and biophysical properties (such as structural, functional, and spatial information, amino acid conservation, physicochemical variation, residue mobility, and thermodynamic stability) performed at Invitae indicates that this missense variant is not expected to disrupt XYLT1 protein function with a negative predictive value of 80%. In summary, the available evidence is currently insufficient to determine the role of this variant in disease. Therefore, it has been classified as a Variant of Uncertain Significance.